The following is an entry in ClinVar:

ClinVar aggregate classification (germline): Uncertain significance (1 of 4 stars; one submission).

Submission:

GeneDx
Classification: Uncertain significance. Last evaluated: 2022-03-15. Review status: criteria provided, single submitter. Criteria: GeneDx Variant Classification Process June 2021. Collection method: clinical testing. Allele origin: germline. Affected: yes.
Comment: Not observed at significant frequency in large population cohorts (gnomAD); In silico analysis supports that this missense variant has a deleterious effect on protein structure/function; Has not been previously published as pathogenic or benign to our knowledge

NM_198334.3(GANAB):c.1505G>A (p.Cys502Tyr)

Gene: GANAB (glucosidase II alpha subunit; minus strand). Cytogenetic location: 11q12.3.
Variant type: single nucleotide variant.
Coding change: c.1505G>A on transcript NM_198334.3 (MANE Select); coding-DNA position 1505, G replaced by A.
Protein change: p.Cys502Tyr; replaces cysteine 502 with tyrosine.
Molecular consequence: missense variant.
Genome position (GRCh38, 1-based): chr11:62,630,387, C>T on the plus strand (G>A on the coding strand, the complement: GANAB is on the minus strand). VCF-style: chr11-62630387-C-T. GRCh37 (hg19) VCF-style: chr11-62397859-C-T.
Other names: c.1229G>A, p.Cys410Tyr (NM_001278192.2); c.1163G>A, p.Cys388Tyr (NM_001278193.2); c.1214G>A, p.Cys405Tyr (NM_001278194.2, NM_001329222.2, NM_001329223.2); c.782G>A, p.Cys261Tyr (NM_001329224.2, NM_001329225.2); c.1571G>A, p.Cys524Tyr (NM_198335.4); short protein forms C261Y, C388Y, C405Y, C410Y, C502Y, C524Y.
Identifiers: ClinVar variation 1706165 (VCV001706165.2), dbSNP rs2496332529, ClinGen allele CA380992575.
Genomic context (GRCh38, chr11:62,630,387, plus strand): 5'-CCATTCTACCCCGCTGGCCAATCAACTCTCCCTCAATTCTGGGTCTGCTTACCTGGCCAG[C>T]ACCAGCCCTCATAGTCAGAGCCATCCCGGGTTTTAACATACAGCCCCAGGTTCCGCAGCT-3'
Protein context (NP_938148.1, residues 492-512): TRDGSDYEGW[Cys502Tyr]WPGSAGYPDF